The following is an entry in ClinVar:

NM_016169.4(SUFU):c.1027C>T (p.Arg343Cys)

Gene: SUFU (SUFU negative regulator of hedgehog signaling; plus strand). Cytogenetic location: 10q24.32.
Variant type: single nucleotide variant.
Coding change: c.1027C>T on transcript NM_016169.4 (MANE Select); coding-DNA position 1027, C replaced by T.
Protein change: p.Arg343Cys; replaces arginine 343 with cysteine.
Molecular consequence: missense variant.
Genome position (GRCh38, 1-based): chr10:102,615,272, C>T. VCF-style: chr10-102615272-C-T. GRCh37 (hg19) VCF-style: chr10-104375029-C-T.
Other names: c.1027C>T, p.Arg343Cys (NM_001178133.2); short protein forms R343C.
Identifiers: ClinVar variation 406394 (VCV000406394.16), dbSNP rs751728820, ClinGen allele CA5667863.
Genomic context (GRCh38, chr10:102,615,272, plus strand): 5'-GCTCCTCCCTGAGCTTTTCACCTTGTGCCGAACCTTTTCCTGTGCTTGCTTCACAGGAGC[C>T]GCAAAGACAGCCTGGAAAGTGACAGCTCCACGGCCATCATTCCCCATGAGCTGATTCGCA-3'
Protein context (NP_057253.2, residues 333-353): NGLAHDRAPS[Arg343Cys]KDSLESDSST

ClinVar aggregate classification (germline): Conflicting classifications of pathogenicity. Review status: criteria provided, conflicting classifications (1 of 4 stars). 3 submissions from 3 submitters: Uncertain significance (2); Likely benign (1). Last evaluated 2025-09-10.

Conditions:
Hereditary cancer-predisposing syndrome. Also called: Tumor predisposition; Neoplastic Syndromes, Hereditary; Hereditary Cancer Syndrome; Hereditary neoplastic syndrome. Identifiers: Orphanet 140162, MedGen C0027672, MeSH D009386, MONDO:0015356.
Medulloblastoma (MDB). Also called: Medulloblastoma, somatic; MEDULLOBLASTOMA PREDISPOSITION SYNDROME. Identifiers: Orphanet 616, MedGen C0025149, MeSH D008527, MONDO:0007959, OMIM 155255, HP:0002885.
Gorlin syndrome. Also called: Nevoid Basal Cell Carcinoma Syndrome; Basal cell nevus syndrome. Identifiers: Orphanet 377, MedGen C0004779, MONDO:0007187.
Familial meningioma. Also called: Meningioma, familial, susceptibility to. Identifiers: Orphanet 263662, MedGen C3551915, MONDO:0011789, OMIM 607174.

Allele frequency attached by ClinVar (database versions not stated): ExAC 0.00001; gnomAD 0.00001 and 0.00002; TOPMed 0.00002; gnomAD exomes 0.00003 and 0.00004.
gnomAD v4.1: 54 of 1,614,030 alleles (0.0033%); highest among the groups gnomAD compares: Non-Finnish European, 0.0043%; no homozygotes.

Submissions (3):

Labcorp Genetics (formerly Invitae), Labcorp
Classification: Uncertain significance for Gorlin syndrome; Medulloblastoma. Last evaluated: 2025-09-10. Review status: criteria provided, single submitter. Criteria: Invitae Variant Classification Sherloc (09022015). Collection method: clinical testing. Allele origin: germline.
Comment: This sequence change replaces arginine, which is basic and polar, with cysteine, which is neutral and slightly polar, at codon 343 of the SUFU protein (p.Arg343Cys). This variant is present in population databases (rs751728820, gnomAD 0.005%). This variant has not been reported in the literature in individuals affected with SUFU-related conditions. ClinVar contains an entry for this variant (Variation ID: 406394). Invitae Evidence Modeling of protein sequence and biophysical properties (such as structural, functional, and spatial information, amino acid conservation, physicochemical variation, residue mobility, and thermodynamic stability) indicates that this missense variant is not expected to disrupt SUFU protein function with a negative predictive value of 80%. In summary, the available evidence is currently insufficient to determine the role of this variant in disease. Therefore, it has been classified as a Variant of Uncertain Significance.

Baylor Genetics
Classification: Uncertain significance for Familial meningioma. Last evaluated: 2024-02-29. Review status: criteria provided, single submitter. Criteria: ACMG Guidelines, 2015. Collection method: clinical testing. Allele origin: unknown.

Ambry Genetics
Classification: Likely benign for Hereditary cancer-predisposing syndrome. Last evaluated: 2022-05-04. Review status: criteria provided, single submitter. Criteria: Ambry Variant Classification Scheme 2023. Collection method: clinical testing. Allele origin: germline.